The following is an entry in ClinVar:

NM_145290.4(ADGRA3):c.1930G>A (p.Gly644Arg)

Gene: ADGRA3 (adhesion G protein-coupled receptor A3; minus strand). Cytogenetic location: 4p15.2.
Variant type: single nucleotide variant.
Coding change: c.1930G>A on transcript NM_145290.4 (MANE Select); coding-DNA position 1930, G replaced by A.
Protein change: p.Gly644Arg; replaces glycine 644 with arginine.
Molecular consequence: missense variant.
Genome position (GRCh38, 1-based): chr4:22,413,694, C>T on the plus strand (G>A on the coding strand, the complement: ADGRA3 is on the minus strand). VCF-style: chr4-22413694-C-T. GRCh37 (hg19) VCF-style: chr4-22415317-C-T.
Other names: short protein forms G644R.
Identifiers: ClinVar variation 1497012 (VCV001497012.8), dbSNP rs1715312227, ClinGen allele CA356480136.

ClinVar aggregate classification (germline): Uncertain significance (1 of 4 stars; one submission).

gnomAD v4.1: 1 of 1,613,942 alleles (0.000062%); highest among the groups gnomAD compares: Non-Finnish European, 0.000085%; no homozygotes.

Submission:

Labcorp Genetics (formerly Invitae), Labcorp
Classification: Uncertain significance. Last evaluated: 2020-11-05. Review status: criteria provided, single submitter. Criteria: Invitae Variant Classification Sherloc (09022015). Collection method: clinical testing. Allele origin: germline.
Comment: In summary, the available evidence is currently insufficient to determine the role of this variant in disease. Therefore, it has been classified as a Variant of Uncertain Significance. Algorithms developed to predict the effect of sequence changes on RNA splicing suggest that this variant may create or strengthen a splice site, but this prediction has not been confirmed by published transcriptional studies. Algorithms developed to predict the effect of missense changes on protein structure and function (SIFT, PolyPhen-2, Align-GVGD) all suggest that this variant is likely to be disruptive, but these predictions have not been confirmed by published functional studies and their clinical significance is uncertain. This variant has not been reported in the literature in individuals with ADGRA3-related conditions. This variant is not present in population databases (ExAC no frequency). This sequence change replaces glycine with arginine at codon 644 of the ADGRA3 protein (p.Gly644Arg). The glycine residue is highly conserved and there is a moderate physicochemical difference between glycine and arginine.